The following is an entry in ClinVar:

NM_001348800.3(ZBTB20):c.11G>T (p.Arg4Leu)

Genes: ZBTB20 (zinc finger and BTB domain containing 20; minus strand), ZBTB20-AS1 (ZBTB20 antisense RNA 1; plus strand). Cytogenetic location: 3q13.31.
Variant type: single nucleotide variant.
Coding change: c.11G>T on transcript NM_001348800.3 (MANE Select); coding-DNA position 11, G replaced by T.
Protein change: p.Arg4Leu; replaces arginine 4 with leucine.
Molecular consequence: missense variant. On other transcripts: intron variant (12).
Genome position (GRCh38, 1-based): chr3:114,380,777, C>A on the plus strand (G>T on the coding strand, the complement: ZBTB20 is on the minus strand). VCF-style: chr3-114380777-C-A. GRCh37 (hg19) VCF-style: chr3-114099624-C-A.
Other names: c.11G>T, p.Arg4Leu (NM_001164342.2, NM_001348803.3, NM_001393393.1 and 1 more transcripts); c.-208-373G>T (NM_015642.7, NM_001348801.3, NM_001348802.3 and 9 more transcripts); short protein forms R4L.
Identifiers: ClinVar variation 3902165 (VCV003902165.1).

ClinVar aggregate classification (germline): Uncertain significance (1 of 4 stars; one submission).

gnomAD v4.1: 2 of 1,509,584 alleles (0.00013%); highest among the groups gnomAD compares: South Asian, 0.0026%; no homozygotes.

Submission:

Women's Health and Genetics/Laboratory Corporation of America, LabCorp
Classification: Uncertain significance. Last evaluated: 2025-05-16. Review status: criteria provided, single submitter. Criteria: LabCorp Variant Classification Summary - May 2015. Collection method: clinical testing. Allele origin: germline.
Comment: Variant summary: ZBTB20 c.11G>T (p.Arg4Leu) results in a non-conservative amino acid change in the encoded protein sequence. Algorithms developed to predict the effect of missense changes on protein structure and function are either unavailable or do not agree on the potential impact of this missense change. Several computational tools predict a significant impact on normal splicing: Four predict the variant abolishes a 5' splicing donor site. However, these predictions have yet to be confirmed by functional studies. The variant was absent in 118472 control chromosomes. The available data on variant occurrences in the general population are insufficient to allow any conclusion about variant significance. To our knowledge, no occurrence of c.11G>T in individuals affected with Intellectual Disability-Cataracts Pinnae-Myopathy Syndrome and no experimental evidence demonstrating its impact on protein function have been reported. No submitters have cited clinical-significance assessments for this variant to ClinVar. Based on the evidence outlined above, the variant was classified as uncertain significance.